The following is an entry in ClinVar:

ClinVar aggregate classification (germline): Uncertain significance (1 of 4 stars; one submission).

Conditions:
Cardiovascular phenotype. Identifiers: MedGen CN230736.

Submission:

Ambry Genetics
Classification: Uncertain significance for Cardiovascular phenotype. Last evaluated: 2025-10-01. Review status: criteria provided, single submitter. Criteria: Ambry Variant Classification Scheme 2023. Collection method: clinical testing. Allele origin: germline.
Comment: The p.L3873P variant (also known as c.11618T>C), located in coding exon 2 of the ZNF469 gene, results from a T to C substitution at nucleotide position 11618. The leucine at codon 3873 is replaced by proline, an amino acid with similar properties. This amino acid position is conserved. In addition, this alteration is predicted to be tolerated by in silico analysis. Based on the available evidence, the clinical significance of this variant remains unclear.

NM_001127464.1:c.11618T>C

Gene: ZNF469 (zinc finger protein 469; plus strand).
Variant type: single nucleotide variant.
Identifiers: ClinVar variation 4615449 (VCV004615449.1).